The following is an entry in ClinVar:

NM_052876.4(NACC1):c.511C>G (p.Gln171Glu)

Gene: NACC1 (nucleus accumbens associated 1; plus strand). Cytogenetic location: 19p13.13.
Variant type: single nucleotide variant.
Coding change: c.511C>G on transcript NM_052876.4 (MANE Select); coding-DNA position 511, C replaced by G.
Protein change: p.Gln171Glu; replaces glutamine 171 with glutamic acid.
Molecular consequence: missense variant.
Genome position (GRCh38, 1-based): chr19:13,135,718, C>G. VCF-style: chr19-13135718-C-G. GRCh37 (hg19) VCF-style: chr19-13246532-C-G.
Other names: short protein forms Q171E.
Identifiers: ClinVar variation 4778119 (VCV004778119.1).

ClinVar aggregate classification (germline): Uncertain significance (1 of 4 stars; one submission).

Submission:

Labcorp Genetics (formerly Invitae), Labcorp
Classification: Uncertain significance. Last evaluated: 2025-05-30. Review status: criteria provided, single submitter. Criteria: Invitae Variant Classification Sherloc (09022015). Collection method: clinical testing. Allele origin: germline.
Comment: This sequence change replaces glutamine, which is neutral and polar, with glutamic acid, which is acidic and polar, at codon 171 of the NACC1 protein (p.Gln171Glu). This variant is not present in population databases (gnomAD no frequency). This variant has not been reported in the literature in individuals affected with NACC1-related conditions. Invitae Evidence Modeling of protein sequence and biophysical properties (such as structural, functional, and spatial information, amino acid conservation, physicochemical variation, residue mobility, and thermodynamic stability) indicates that this missense variant is not expected to disrupt NACC1 protein function with a negative predictive value of 80%. In summary, the available evidence is currently insufficient to determine the role of this variant in disease. Therefore, it has been classified as a Variant of Uncertain Significance.